The following is an entry in ClinVar:

NM_001267550.2(TTN):c.39974T>C (p.Val13325Ala)

Gene: TTN (titin; minus strand). Cytogenetic location: 2q31.2.
Variant type: single nucleotide variant.
Coding change: c.39974T>C on transcript NM_001267550.2 (MANE Select); coding-DNA position 39974, T replaced by C.
Protein change: p.Val13325Ala; replaces valine 13325 with alanine.
Molecular consequence: missense variant. On other transcripts: intron variant (5).
Genome position (GRCh38, 1-based): chr2:178,649,331, A>G on the plus strand (T>C on the coding strand, the complement: TTN is on the minus strand). VCF-style: chr2-178649331-A-G. GRCh37 (hg19) VCF-style: chr2-179514058-A-G.
Other names: c.13283-7014T>C (NM_003319.4); c.13859-7014T>C (NM_133437.4); c.13658-7014T>C (NM_133432.3); c.32593+486T>C (NM_133378.4); c.35374+486T>C (NM_001256850.1); short protein forms V13325A.
Identifiers: ClinVar variation 2651648 (VCV002651648.24), dbSNP rs2062542391, ClinGen allele CA349446384.

ClinVar aggregate classification (germline): Uncertain significance (1 of 4 stars; one submission).

Submission:

CeGaT Center for Human Genetics Tuebingen
Classification: Uncertain significance. Last evaluated: 2022-09-01. Review status: criteria provided, single submitter. Criteria: CeGaT Center For Human Genetics Tuebingen Variant Classification Criteria Version 2. Collection method: clinical testing. Allele origin: germline. Affected: yes. Observed: 1 variant allele.
Comment: TTN: PM2, BP4